The following is an entry in ClinVar:

NM_018127.7(ELAC2):c.291G>C (p.Glu97Asp)

Gene: ELAC2 (elaC ribonuclease Z 2; minus strand). Cytogenetic location: 17p12.
Variant type: single nucleotide variant.
Coding change: c.291G>C on transcript NM_018127.7 (MANE Select); coding-DNA position 291, G replaced by C.
Protein change: p.Glu97Asp; replaces glutamic acid 97 with aspartic acid.
Molecular consequence: missense variant.
Genome position (GRCh38, 1-based): chr17:13,017,076, C>G on the plus strand (G>C on the coding strand, the complement: ELAC2 is on the minus strand). VCF-style: chr17-13017076-C-G. GRCh37 (hg19) VCF-style: chr17-12920393-C-G.
Other names: c.291G>C, p.Glu97Asp (NM_001165962.2, NM_173717.2); c.291G>C (NM_018127.6); short protein forms E97D.
Identifiers: ClinVar variation 2193173 (VCV002193173.2), dbSNP rs748123262, ClinGen allele CA8401753.

ClinVar aggregate classification (germline): Uncertain significance. Review status: criteria provided, multiple submitters, no conflicts (2 of 4 stars). 2 submissions from 2 submitters: Uncertain significance (2). Last evaluated 2025-01-07.

Conditions:
Inborn genetic diseases. Identifiers: MedGen C0950123, MeSH D030342.
Combined oxidative phosphorylation defect type 17. Also called: Combined oxidative phosphorylation deficiency 17. Identifiers: Orphanet 369913, MedGen C3809526, MONDO:0014190, OMIM 615440.

gnomAD v4.1: 2 of 1,614,120 alleles (0.00012%); highest among the groups gnomAD compares: Admixed American, 0.0017%; no homozygotes.

Submissions (2):

Ambry Genetics
Classification: Uncertain significance for Inborn genetic diseases. Last evaluated: 2025-01-07. Review status: criteria provided, single submitter. Criteria: Ambry Variant Classification Scheme 2023. Collection method: clinical testing. Allele origin: germline.

Labcorp Genetics (formerly Invitae), Labcorp
Classification: Uncertain significance for Combined oxidative phosphorylation defect type 17. Last evaluated: 2022-04-28. Review status: criteria provided, single submitter. Criteria: Invitae Variant Classification Sherloc (09022015). Collection method: clinical testing. Allele origin: germline.
Comment: This sequence change replaces glutamic acid, which is acidic and polar, with aspartic acid, which is acidic and polar, at codon 97 of the ELAC2 protein (p.Glu97Asp). This variant is present in population databases (rs748123262, gnomAD 0.003%). This variant has not been reported in the literature in individuals affected with ELAC2-related conditions. Algorithms developed to predict the effect of missense changes on protein structure and function are either unavailable or do not agree on the potential impact of this missense change (SIFT: "Tolerated"; PolyPhen-2: "Probably Damaging"; Align-GVGD: "Class C0"). In summary, the available evidence is currently insufficient to determine the role of this variant in disease. Therefore, it has been classified as a Variant of Uncertain Significance.